The following is an entry in ClinVar:

ClinVar aggregate classification (germline): Uncertain significance (1 of 4 stars; one submission).

Submission:

GeneDx
Classification: Uncertain significance. Last evaluated: 2022-06-26. Review status: criteria provided, single submitter. Criteria: GeneDx Variant Classification Process June 2021. Collection method: clinical testing. Allele origin: germline. Affected: yes.
Comment: Not observed at significant frequency in large population cohorts (gnomAD); In silico analysis supports that this missense variant does not alter protein structure/function; Has not been previously published as pathogenic or benign to our knowledge; This variant is associated with the following publications: (PMID: 20300201)

NM_139058.3(ARX):c.1046A>G (p.Lys349Arg)

Gene: ARX (aristaless related homeobox; minus strand). Cytogenetic location: Xp21.3.
Variant type: single nucleotide variant.
Coding change: c.1046A>G on transcript NM_139058.3 (MANE Select); coding-DNA position 1046, A replaced by G.
Protein change: p.Lys349Arg; replaces lysine 349 with arginine.
Molecular consequence: missense variant.
Genome position (GRCh38, 1-based): chrX:25,012,949, T>C on the plus strand (A>G on the coding strand, the complement: ARX is on the minus strand). VCF-style: chrX-25012949-T-C. GRCh37 (hg19) VCF-style: chrX-25031066-T-C.
Other names: short protein forms K349R.
Identifiers: ClinVar variation 1806582 (VCV001806582.1), dbSNP rs2519106268, ClinGen allele CA412611881.